The following is an entry in ClinVar:

NM_022356.4(P3H1):c.221G>A (p.Arg74His)

Genes: P3H1 (prolyl 3-hydroxylase 1; minus strand), LOC129930352 (ATAC-STARR-seq lymphoblastoid silent region 767; plus strand). Cytogenetic location: 1p34.2.
Variant type: single nucleotide variant.
Coding change: c.221G>A on transcript NM_022356.4 (MANE Select); coding-DNA position 221, G replaced by A.
Protein change: p.Arg74His; replaces arginine 74 with histidine.
Molecular consequence: missense variant.
Genome position (GRCh38, 1-based): chr1:42,766,751, C>T on the plus strand (G>A on the coding strand, the complement: P3H1 is on the minus strand). VCF-style: chr1-42766751-C-T. GRCh37 (hg19) VCF-style: chr1-43232422-C-T.
Other names: c.221G>A, p.Arg74His (NM_001146289.2, NM_001243246.2); short protein forms R74H.
Identifiers: ClinVar variation 1339620 (VCV001339620.2), dbSNP rs201346423, ClinGen allele CA339963892.
Genomic context (GRCh38, chr1:42,766,751, plus strand): 5'-CTGGGGGACCAGTCGGGGTCCAGCTCCCACGGGAAGTCGGCGGCACACTGGGTGCGGCAG[C>T]GCAGGCGAAGGGCGCGGAGGGCTGCCCGGGAGCGCAGCGCCCGTTCCATGCTCAGGACCA-3'
Protein context (NP_071751.3, residues 64-84): SRAALRALRL[Arg74His]CRTQCAADFP

ClinVar aggregate classification (germline): Uncertain significance (1 of 4 stars; one submission).

Allele frequency attached by ClinVar (database versions not stated): TOPMed below 0.00001.
gnomAD v4.1: 1 of 1,584,662 alleles (0.000063%); no homozygotes.

Submission:

GeneDx
Classification: Uncertain significance. Last evaluated: 2021-08-06. Review status: criteria provided, single submitter. Criteria: GeneDx Variant Classification Process June 2021. Collection method: clinical testing. Allele origin: germline. Affected: yes.
Comment: In silico analysis supports that this missense variant does not alter protein structure/function; Has not been previously published as pathogenic or benign to our knowledge